The following is an entry in ClinVar:

NM_000702.4(ATP1A2):c.3038G>A (p.Trp1013Ter)

Gene: ATP1A2 (ATPase Na+/K+ transporting subunit alpha 2; plus strand). Cytogenetic location: 1q23.2.
Variant type: single nucleotide variant.
Coding change: c.3038G>A on transcript NM_000702.4 (MANE Select); coding-DNA position 3038, G replaced by A.
Protein change: p.Trp1013Ter; replaces tryptophan 1013 with a stop codon.
Molecular consequence: nonsense.
Genome position (GRCh38, 1-based): chr1:160,141,297, G>A. VCF-style: chr1-160141297-G-A. GRCh37 (hg19) VCF-style: chr1-160111087-G-A.
Other names: short protein forms W1013*.
Identifiers: ClinVar variation 4718777 (VCV004718777.1).
Genomic context (GRCh38, chr1:160,141,297, plus strand): 5'-ATCTCTTGCCTCCTTTTAAGCTCATGCTGCAATCTCCACTCCCAATCTCTCTAACAGGCT[G>A]GGTGGAGAAGGAGACATACTACTGACCCCATTGGAAGAAGAACCAGGCATGGAAAGATGG-3'

ClinVar aggregate classification (germline): Uncertain significance (1 of 4 stars; one submission).

Conditions:
Familial hemiplegic migraine. Identifiers: MedGen C0338484, MONDO:0000700.

Submission:

Labcorp Genetics (formerly Invitae), Labcorp
Classification: Uncertain significance for Familial hemiplegic migraine. Last evaluated: 2025-05-01. Review status: criteria provided, single submitter. Criteria: Invitae Variant Classification Sherloc (09022015). Collection method: clinical testing. Allele origin: germline.
Comment: This sequence change creates a premature translational stop signal (p.Trp1013*) in the ATP1A2 gene. While this is not anticipated to result in nonsense mediated decay, it is expected to disrupt the last 8 amino acid(s) of the ATP1A2 protein. This variant is not present in population databases (gnomAD no frequency). This premature translational stop signal has been observed in individual(s) with clinical features of autosomal dominant ATP1A2-related conditions (internal data). Experimental studies and prediction algorithms are not available or were not evaluated, and the functional significance of this variant is currently unknown. In summary, the available evidence is currently insufficient to determine the role of this variant in disease. Therefore, it has been classified as a Variant of Uncertain Significance.